The following is an entry in ClinVar:

NM_004637.6(RAB7A):c.-9+28G>T

Gene: RAB7A (RAB7A, member RAS oncogene family; plus strand). Cytogenetic location: 3q21.3.
Variant type: single nucleotide variant.
Coding change: c.-9+28G>T on transcript NM_004637.6 (MANE Select); 28 bases into the intron after 9 bases upstream of the start codon, G replaced by T.
Molecular consequence: intron variant.
Genome position (GRCh38, 1-based): chr3:128,726,387, G>T. VCF-style: chr3-128726387-G-T. GRCh37 (hg19) VCF-style: chr3-128445230-G-T.
Identifiers: ClinVar variation 1683833 (VCV001683833.2), dbSNP rs539167640, ClinGen allele CA82577484.

ClinVar aggregate classification (germline): Likely benign (1 of 4 stars; one submission).

Allele frequency attached by ClinVar (database versions not stated): gnomAD 0.00332 and 0.00363; 1000 Genomes Project 0.00339; 1000 Genomes Project 30x 0.00422.

Submission:

GeneDx
Classification: Likely benign. Last evaluated: 2021-10-27. Review status: criteria provided, single submitter. Criteria: GeneDx Variant Classification Process June 2021. Collection method: clinical testing. Allele origin: germline. Affected: yes.
Comment: See Variant Classification Assertion Criteria.